The following is an entry in ClinVar:

ClinVar aggregate classification (germline): Likely pathogenic. Review status: criteria provided, single submitter (1 of 4 stars). 2 submissions from 2 submitters: Likely pathogenic (1). 1 of the submissions does not count toward it. Last evaluated 2023-03-02.

Allele frequency attached by ClinVar (database versions not stated): gnomAD exomes below 0.00001.
gnomAD v4.1: 2 of 1,609,188 alleles (0.00012%); highest among the groups gnomAD compares: Non-Finnish European, 0.00017%; no homozygotes.

Submissions (2):

Labcorp Genetics (formerly Invitae), Labcorp
Classification: Likely pathogenic. Last evaluated: 2023-03-02. Review status: criteria provided, single submitter. Criteria: Invitae Variant Classification Sherloc (09022015). Collection method: clinical testing. Allele origin: germline.
Comment: Algorithms developed to predict the effect of sequence changes on RNA splicing suggest that this variant may disrupt the consensus splice site. In summary, the currently available evidence indicates that the variant is pathogenic, but additional data are needed to prove that conclusively. Therefore, this variant has been classified as Likely Pathogenic. ClinVar contains an entry for this variant (Variation ID: 99057). This sequence change affects a donor splice site in intron 11 of the ABCA4 gene. It is expected to disrupt RNA splicing. Variants that disrupt the donor or acceptor splice site typically lead to a loss of protein function (PMID: 16199547), and loss-of-function variants in ABCA4 are known to be pathogenic (PMID: 10958761, 24938718, 25312043, 26780318). This variant is not present in population databases (gnomAD no frequency). Disruption of this splice site has been observed in individual(s) with cone-rod dystrophy (PMID: 26103963).

Retina International
No classification provided. Review status: no classification provided. Collection method: not provided. Allele origin: not provided. Not counted in ClinVar's aggregate classification.

Literature cited by the submitters: PubMed 16199547 (cited by Labcorp Genetics (formerly Invitae), Labcorp); PubMed 10958761 (cited by Labcorp Genetics (formerly Invitae), Labcorp); PubMed 24938718 (cited by Labcorp Genetics (formerly Invitae), Labcorp); PubMed 25312043 (cited by Labcorp Genetics (formerly Invitae), Labcorp); PubMed 26780318 (cited by Labcorp Genetics (formerly Invitae), Labcorp); PubMed 26103963 (cited by Labcorp Genetics (formerly Invitae), Labcorp).

NM_000350.3(ABCA4):c.1554+1G>A

Gene: ABCA4 (ATP binding cassette subfamily A member 4; minus strand). Cytogenetic location: 1p22.1.
Variant type: single nucleotide variant.
Coding change: c.1554+1G>A on transcript NM_000350.3 (MANE Select); the canonical splice donor site of the intron after coding-DNA position 1554, G replaced by A.
Molecular consequence: splice donor variant.
Genome position (GRCh38, 1-based): chr1:94,077,689, C>T on the plus strand (G>A on the coding strand, the complement: ABCA4 is on the minus strand). VCF-style: chr1-94077689-C-T. GRCh37 (hg19) VCF-style: chr1-94543245-C-T.
Identifiers: ClinVar variation 99057 (VCV000099057.4), dbSNP rs61752393, ClinGen allele CA226898.
Genomic context (GRCh38, chr1:94,077,689, plus strand): 5'-CTCTGGCCCCACTCATGGGGCTATCTTCAAGGGGCCCACTGTGGGGCTTGCAGCCCCTTA[C>T]CTCCAGGTATTGATTGACCAGGCGGAGGGTGCGATCAGTGATGTTAAATATGTCCCTCCA-3'